The following is an entry in ClinVar:

NM_003265.3(TLR3):c.259A>G (p.Ile87Val)

Gene: TLR3 (toll like receptor 3; plus strand). Cytogenetic location: 4q35.1.
Variant type: single nucleotide variant.
Coding change: c.259A>G on transcript NM_003265.3 (MANE Select); coding-DNA position 259, A replaced by G.
Protein change: p.Ile87Val; replaces isoleucine 87 with valine.
Molecular consequence: missense variant.
Genome position (GRCh38, 1-based): chr4:186,076,878, A>G. VCF-style: chr4-186076878-A-G. GRCh37 (hg19) VCF-style: chr4-186998032-A-G.
Other names: short protein forms I87V.
Identifiers: ClinVar variation 1034989 (VCV001034989.9), dbSNP rs2099302537, ClinGen allele CA359107639.

ClinVar aggregate classification (germline): Uncertain significance (1 of 4 stars; one submission).

Conditions:
Encephalopathy, acute, infection-induced (herpes-specific), susceptibility to, 1. Also called: Herpes simplex encephalitis, susceptibility to, 1. Identifiers: Orphanet 1930, MedGen C2750180, MONDO:0024563, OMIM 610551.

Allele frequency attached by ClinVar (database versions not stated): TOPMed below 0.00001; gnomAD 0.00001.
gnomAD v4.1: 1 of 1,614,080 alleles (0.000062%); highest among the groups gnomAD compares: Non-Finnish European, 0.000085%; no homozygotes.

Submission:

Labcorp Genetics (formerly Invitae), Labcorp
Classification: Uncertain significance for Encephalopathy, acute, infection-induced (herpes-specific), susceptibility to, 1. Last evaluated: 2022-09-01. Review status: criteria provided, single submitter. Criteria: Invitae Variant Classification Sherloc (09022015). Collection method: clinical testing. Allele origin: germline.
Comment: In summary, the available evidence is currently insufficient to determine the role of this variant in disease. Therefore, it has been classified as a Variant of Uncertain Significance. Algorithms developed to predict the effect of missense changes on protein structure and function (SIFT, PolyPhen-2, Align-GVGD) all suggest that this variant is likely to be tolerated. ClinVar contains an entry for this variant (Variation ID: 1034989). This variant has not been reported in the literature in individuals affected with TLR3-related conditions. This variant is not present in population databases (gnomAD no frequency). This sequence change replaces isoleucine, which is neutral and non-polar, with valine, which is neutral and non-polar, at codon 87 of the TLR3 protein (p.Ile87Val).